The following is an entry in ClinVar:

ClinVar aggregate classification (germline): Conflicting classifications of pathogenicity. Review status: criteria provided, conflicting classifications (1 of 4 stars). 4 submissions from 4 submitters: Uncertain significance (1); Benign (1); Likely benign (1). 1 of the submissions does not count toward it. Last evaluated 2025-12-21.

Conditions:
NAA10-related disorder. Also called: NAA10-related condition; NAA10-related disorders.

Allele frequency attached by ClinVar (database versions not stated): ExAC 0.00003; gnomAD exomes 0.00004; gnomAD 0.00008 and 0.00010; TOPMed 0.00008; ESP Exome Variant Server 0.00009.
gnomAD v4.1: 49 of 1,208,695 alleles (0.0041%); highest among the groups gnomAD compares: African/African-American, 0.033%; no homozygotes.

Submissions (4):

Labcorp Genetics (formerly Invitae), Labcorp
Classification: Benign. Last evaluated: 2025-12-21. Review status: criteria provided, single submitter. Criteria: Invitae Variant Classification Sherloc (09022015). Collection method: clinical testing. Allele origin: germline.

Blueprint Genetics
Classification: Likely benign. Last evaluated: 2024-09-09. Review status: criteria provided, single submitter. Criteria: ACMG Guidelines, 2015. Collection method: clinical testing. Allele origin: germline.

Genetic Services Laboratory, University of Chicago
Classification: Uncertain significance. Last evaluated: 2017-01-30. Review status: criteria provided, single submitter. Criteria: ACMG Guidelines, 2015. Collection method: clinical testing. Allele origin: germline. Affected: no.

PreventionGenetics, part of Exact Sciences
Classification: Likely benign for NAA10-related condition. Last evaluated: 2019-03-14. Review status: no assertion criteria provided. Collection method: clinical testing. Allele origin: germline. Not counted in ClinVar's aggregate classification.
Comment: This variant is classified as likely benign based on ACMG/AMP sequence variant interpretation guidelines (Richards et al. 2015 PMID: 25741868, with internal and published modifications).

NM_003491.4(NAA10):c.141C>T (p.Asp47=)

Gene: NAA10 (N-alpha-acetyltransferase 10, NatA catalytic subunit; minus strand). Cytogenetic location: Xq28.
Variant type: single nucleotide variant.
Coding change: c.141C>T on transcript NM_003491.4 (MANE Select); coding-DNA position 141, C replaced by T.
Protein change: p.Asp47=; no amino-acid change (aspartic acid 47 retained).
Molecular consequence: synonymous variant.
Genome position (GRCh38, 1-based): chrX:153,933,981, G>A on the plus strand (C>T on the coding strand, the complement: NAA10 is on the minus strand). VCF-style: chrX-153933981-G-A. GRCh37 (hg19) VCF-style: chrX-153199434-G-A.
Other names: c.141C>T, p.Asp47= (NM_001256119.2, NM_001256120.2).
Identifiers: ClinVar variation 435923 (VCV000435923.16), dbSNP rs375877098, ClinGen allele CA10556226.